The following is an entry in ClinVar:

NM_001184880.2(PCDH19):c.2983A>G (p.Ile995Val)

Gene: PCDH19 (protocadherin 19; minus strand). Cytogenetic location: Xq22.1.
Variant type: single nucleotide variant.
Coding change: c.2983A>G on transcript NM_001184880.2 (MANE Select); coding-DNA position 2983, A replaced by G.
Protein change: p.Ile995Val; replaces isoleucine 995 with valine.
Molecular consequence: missense variant.
Genome position (GRCh38, 1-based): chrX:100,296,741, T>C on the plus strand (A>G on the coding strand, the complement: PCDH19 is on the minus strand). VCF-style: chrX-100296741-T-C. GRCh37 (hg19) VCF-style: chrX-99551739-T-C.
Other names: c.2842A>G, p.Ile948Val (NM_001105243.2); c.2839A>G, p.Ile947Val (NM_020766.3); short protein forms I947V, I948V, I995V.
Identifiers: ClinVar variation 1445069 (VCV001445069.9), dbSNP rs1413490920, ClinGen allele CA414000706.

ClinVar aggregate classification (germline): Uncertain significance (1 of 4 stars; one submission).

Conditions:
Developmental and epileptic encephalopathy, 9 (DEE9). Also called: PCDH19-Related X-Linked Female-Limited Epilepsy with Mental Retardation; Early infantile epileptic encephalopathy 9; JUBERG-HELLMAN SYNDROME; EPILEPSY, FEMALE-RESTRICTED, WITH MENTAL RETARDATION. Identifiers: Orphanet 101039, Orphanet 2076, MedGen C1848137, MONDO:0010246, OMIM 300088. Disease mechanism: loss of function.

Allele frequency attached by ClinVar (database versions not stated): gnomAD exomes below 0.00001; TOPMed below 0.00001.
gnomAD v4.1: 3 of 1,211,212 alleles (0.00025%); highest among the groups gnomAD compares: East Asian, 0.003%; no homozygotes.

Submission:

Labcorp Genetics (formerly Invitae), Labcorp
Classification: Uncertain significance for Developmental and epileptic encephalopathy, 9. Last evaluated: 2023-08-24. Review status: criteria provided, single submitter. Criteria: Invitae Variant Classification Sherloc (09022015). Collection method: clinical testing. Allele origin: germline.
Comment: This variant has not been reported in the literature in individuals affected with PCDH19-related conditions. This sequence change replaces isoleucine, which is neutral and non-polar, with valine, which is neutral and non-polar, at codon 995 of the PCDH19 protein (p.Ile995Val). This variant is not present in population databases (gnomAD no frequency). ClinVar contains an entry for this variant (Variation ID: 1445069). Advanced modeling of protein sequence and biophysical properties (such as structural, functional, and spatial information, amino acid conservation, physicochemical variation, residue mobility, and thermodynamic stability) performed at Invitae indicates that this missense variant is not expected to disrupt PCDH19 protein function. In summary, the available evidence is currently insufficient to determine the role of this variant in disease. Therefore, it has been classified as a Variant of Uncertain Significance.